The following is an entry in ClinVar:

NM_000321.3(RB1):c.1174G>A (p.Ala392Thr)

Gene: RB1 (RB transcriptional corepressor 1; plus strand). Cytogenetic location: 13q14.2.
Variant type: single nucleotide variant.
Coding change: c.1174G>A on transcript NM_000321.3 (MANE Select); coding-DNA position 1174, G replaced by A.
Protein change: p.Ala392Thr; replaces alanine 392 with threonine.
Molecular consequence: missense variant.
Genome position (GRCh38, 1-based): chr13:48,373,451, G>A. VCF-style: chr13-48373451-G-A. GRCh37 (hg19) VCF-style: chr13-48947587-G-A.
Other names: short protein forms A392T.
Identifiers: ClinVar variation 458119 (VCV000458119.18), dbSNP rs181988132, ClinGen allele CA027764.

ClinVar aggregate classification (germline): Conflicting classifications of pathogenicity. Review status: criteria provided, conflicting classifications (1 of 4 stars). 5 submissions from 5 submitters: Uncertain significance (4); Likely benign (1). Last evaluated 2025-09-24.

Conditions:
Hereditary cancer-predisposing syndrome. Also called: Neoplastic Syndromes, Hereditary; Tumor predisposition; Hereditary Cancer Syndrome; Hereditary neoplastic syndrome. Identifiers: Orphanet 140162, MedGen C0027672, MeSH D009386, MONDO:0015356.
Malignant tumor of urinary bladder. Also called: Urinary Bladder Neoplasms; Bladder cancer; Urinary bladder cancer. Identifiers: MedGen C0005684, MONDO:0001187, OMIM 109800.
Small cell lung carcinoma. Also called: Lung oat cell carcinoma; Small cell lung cancer; SMALL CELL CANCER OF THE LUNG, SOMATIC. Identifiers: Orphanet 70573, MedGen C0149925, MeSH D055752, MONDO:0008433, OMIM 182280, HP:0030357.
Retinoblastoma (RB1). Also called: RETINOBLASTOMA, SOMATIC. Identifiers: Orphanet 790, MedGen C0035335, MeSH D012175, MONDO:0008380, OMIM 180200, HP:0009919. Disease mechanism: loss of function. Inheritance: Both sporadic and heritable forms are tested..
Bone osteosarcoma. Also called: Osteosarcoma, somatic. Identifiers: Orphanet 668, MedGen C0585442, MONDO:0002629, OMIM 259500.

Allele frequency attached by ClinVar (database versions not stated): gnomAD exomes below 0.00001; ExAC 0.00001; gnomAD 0.00001; TOPMed 0.00001; 1000 Genomes Project 30x 0.00016; 1000 Genomes Project 0.00020.

Submissions (5):

Ambry Genetics
Classification: Likely benign for Hereditary cancer-predisposing syndrome. Last evaluated: 2025-09-24. Review status: criteria provided, single submitter. Criteria: Ambry Variant Classification Scheme 2023. Collection method: clinical testing. Allele origin: germline.

Labcorp Genetics (formerly Invitae), Labcorp
Classification: Uncertain significance for Retinoblastoma. Last evaluated: 2025-08-07. Review status: criteria provided, single submitter. Criteria: Invitae Variant Classification Sherloc (09022015). Collection method: clinical testing. Allele origin: germline.
Comment: This sequence change replaces alanine, which is neutral and non-polar, with threonine, which is neutral and polar, at codon 392 of the RB1 protein (p.Ala392Thr). This variant is present in population databases (rs181988132, gnomAD 0.007%). This variant has not been reported in the literature in individuals affected with RB1-related conditions. ClinVar contains an entry for this variant (Variation ID: 458119). Invitae Evidence Modeling of protein sequence and biophysical properties (such as structural, functional, and spatial information, amino acid conservation, physicochemical variation, residue mobility, and thermodynamic stability) indicates that this missense variant is not expected to disrupt RB1 protein function with a negative predictive value of 80%. In summary, the available evidence is currently insufficient to determine the role of this variant in disease. Therefore, it has been classified as a Variant of Uncertain Significance.

All of Us Research Program, National Institutes of Health
Classification: Uncertain significance for Retinoblastoma. Last evaluated: 2023-11-20. Review status: criteria provided, single submitter. Criteria: ACMG Guidelines, 2015. Collection method: clinical testing. Allele origin: germline. Inheritance: Autosomal dominant inheritance. Observed: 1 variant allele, 1 heterozygote.
Comment: This missense variant replaces alanine with threonine at codon 392 of the RB1 protein. Computational prediction suggests that this variant may not impact protein structure and function (internally defined REVEL score threshold <= 0.5, PMID: 27666373). To our knowledge, functional studies have not been reported for this variant. This variant has not been reported in individuals affected with RB1-related disorders in the literature. This variant has been identified in 1/250622 chromosomes in the general population by the Genome Aggregation Database (gnomAD). The available evidence is insufficient to determine the role of this variant in disease conclusively. Therefore, this variant is classified as a Variant of Uncertain Significance.

This study involves interpretation of variants in research participants for the purpose of population health screening. Participant phenotype was not available at the time of variant classification. Additional details can be found in publication PMID: 35346344, PMCID: PMC8962531

Baylor Genetics
Classification: Uncertain significance for Malignant tumor of urinary bladder. Last evaluated: 2023-07-28. Review status: criteria provided, single submitter. Criteria: ACMG Guidelines, 2015. Collection method: clinical testing. Allele origin: unknown.

Fulgent Genetics
Classification: Uncertain significance for Malignant tumor of urinary bladder; Retinoblastoma; Small cell lung carcinoma; Bone osteosarcoma. Last evaluated: 2021-10-27. Review status: criteria provided, single submitter. Criteria: ACMG Guidelines, 2015. Collection method: clinical testing. Allele origin: unknown.